The following is an entry in ClinVar:

NM_152419.3(HGSNAT):c.725G>A (p.Ser242Asn)

Gene: HGSNAT (heparan-alpha-glucosaminide N-acetyltransferase; plus strand). Cytogenetic location: 8p11.21.
Variant type: single nucleotide variant.
Coding change: c.725G>A on transcript NM_152419.3 (MANE Select); coding-DNA position 725, G replaced by A.
Protein change: p.Ser242Asn; replaces serine 242 with asparagine.
Molecular consequence: missense variant. On other transcripts: 5 prime UTR variant (1).
Genome position (GRCh38, 1-based): chr8:43,170,676, G>A. VCF-style: chr8-43170676-G-A. GRCh37 (hg19) VCF-style: chr8-43025819-G-A.
Other names: c.725G>A, p.Ser242Asn (NM_001363227.2, NM_001363228.2); c.-109G>A (NM_001363229.2); short protein forms S242N.
Identifiers: ClinVar variation 1388656 (VCV001388656.3), dbSNP rs2130746199, ClinGen allele CA371116234.
Genomic context (GRCh38, chr8:43,170,676, plus strand): 5'-TCGATGGTGATGTTCAGCCAGCAACGTGGCGTCTATCTGCCCTGCCGCCCCGCCTCCGCA[G>A]CGTGGACACCTTCAGGGGGTATGTGGGCCTCCCTGTAGCACAGTGGGTGCAGGTAGTCAC-3'
Protein context (NP_689632.2, residues 232-252): RLSALPPRLR[Ser242Asn]VDTFRGIALI

ClinVar aggregate classification (germline): Uncertain significance (1 of 4 stars; one submission).

Conditions:
Retinitis pigmentosa 73 (RP73). Identifiers: Orphanet 791, MedGen C4225287, MONDO:0014687, OMIM 616544.
Mucopolysaccharidosis, MPS-III-C (MPS3C). Also called: MPS IIIC (Sanfilippo Syndrome Type C); MUCOPOLYSACCHARIDOSIS, TYPE IIIC; Mucopolysaccharidosis type IIIC (Sanfilippo C); SANFILIPPO SYNDROME C; MPS III C; mucopolysaccharidosis type 3C. Identifiers: Orphanet 581, Orphanet 79271, MedGen C0086649, MONDO:0009657, OMIM 252930.

Allele frequency attached by ClinVar (database versions not stated): gnomAD exomes below 0.00001.
gnomAD v4.1: 1 of 1,603,362 alleles (0.000062%); highest among the groups gnomAD compares: Non-Finnish European, 0.000085%; no homozygotes.

Submission:

Labcorp Genetics (formerly Invitae), Labcorp
Classification: Uncertain significance for Retinitis pigmentosa 73; Mucopolysaccharidosis, MPS-III-C. Last evaluated: 2022-06-13. Review status: criteria provided, single submitter. Criteria: Invitae Variant Classification Sherloc (09022015). Collection method: clinical testing. Allele origin: germline.
Comment: This sequence change replaces serine, which is neutral and polar, with asparagine, which is neutral and polar, at codon 242 of the HGSNAT protein (p.Ser242Asn). This variant is not present in population databases (gnomAD no frequency). This missense change has been observed in individual(s) with inherited retinal dystrophy (Invitae). In at least one individual the data is consistent with being in trans (on the opposite chromosome) from a pathogenic variant. Algorithms developed to predict the effect of missense changes on protein structure and function are either unavailable or do not agree on the potential impact of this missense change (SIFT: "Tolerated"; PolyPhen-2: "Probably Damaging"; Align-GVGD: "Class C0"). In summary, the available evidence is currently insufficient to determine the role of this variant in disease. Therefore, it has been classified as a Variant of Uncertain Significance.